The following is an entry in ClinVar:

ClinVar aggregate classification (germline): Uncertain significance. Review status: criteria provided, multiple submitters, no conflicts (2 of 4 stars). 2 submissions from 2 submitters: Uncertain significance (2). Last evaluated 2025-02-09.

Conditions:
KMT2C-related disorder. Also called: KMT2C-related condition; KMT2C-related disorders.
Kleefstra syndrome 2 (KLEFS2). Identifiers: MedGen C4540395, MONDO:0054701, OMIM 617768.

gnomAD v4.1: 28 of 1,614,120 alleles (0.0017%); highest among the groups gnomAD compares: Admixed American, 0.005%; no homozygotes.

Submissions (2):

PreventionGenetics, part of Exact Sciences
Classification: Uncertain significance for KMT2C-related condition. Last evaluated: 2025-02-09. Review status: criteria provided, single submitter. Criteria: ACMG Guidelines, 2015. Collection method: clinical testing. Allele origin: germline.
Comment: The KMT2C c.11156A>T variant is predicted to result in the amino acid substitution p.Lys3719Ile. To our knowledge, this variant has not been reported in the literature. This variant is reported in 0.0029% of alleles in individuals of Latino descent in gnomAD. At this time, the clinical significance of this variant is uncertain due to the absence of conclusive functional and genetic evidence.

Clinical Genomics Laboratory, Washington University in St. Louis
Classification: Uncertain significance for Kleefstra syndrome 2. Last evaluated: 2024-02-01. Review status: criteria provided, single submitter. Criteria: ACMG Guidelines, 2015. Collection method: clinical testing. Allele origin: germline.
Comment: The KMT2C c.11156A>T (p.Lys3719Ile) variant, to our knowledge, has not been reported in the medical literature and is only observed on 2/251,484 alleles in the general population (gnomAD v.2.1.1), indicating it is not a common variant. Computational predictors suggest that the variant does not impact KMT2C function. Due to limited information, and based on ACMG/AMP guidelines for variant interpretation (Richards S et al., PMID: 25741868), the clinical significance of this variant is uncertain at this time.

NM_170606.3(KMT2C):c.11156A>T (p.Lys3719Ile)

Gene: KMT2C (lysine methyltransferase 2C; minus strand). Cytogenetic location: 7q36.1.
Variant type: single nucleotide variant.
Coding change: c.11156A>T on transcript NM_170606.3 (MANE Select); coding-DNA position 11156, A replaced by T.
Protein change: p.Lys3719Ile; replaces lysine 3719 with isoleucine.
Molecular consequence: missense variant.
Genome position (GRCh38, 1-based): chr7:152,162,421, T>A on the plus strand (A>T on the coding strand, the complement: KMT2C is on the minus strand). VCF-style: chr7-152162421-T-A. GRCh37 (hg19) VCF-style: chr7-151859506-T-A.
Other names: c.11156A>T (NM_170606.2); short protein forms K3719I.
Identifiers: ClinVar variation 3602589 (VCV003602589.2).
Genomic context (GRCh38, chr7:152,162,421, plus strand): 5'-TGTTCCTCCAATTTAGGCTCCTCTTGGCCTGGGCAGGACTCTGTCTCAGCCTTTTCCAGT[T>A]TTATCTCTTCTGTTTTGGCAGGGGTTTCCATGGAGAGCTTGTCTACTTCTGAATTTGCAT-3'
Protein context (NP_733751.2, residues 3709-3729): METPAKTEEI[Lys3719Ile]LEKAETESCP